The following is an entry in ClinVar:

NM_024675.4(PALB2):c.184G>A (p.Asp62Asn)

Gene: PALB2 (partner and localizer of BRCA2; minus strand). Cytogenetic location: 16p12.2.
Variant type: single nucleotide variant.
Coding change: c.184G>A on transcript NM_024675.4 (MANE Select); coding-DNA position 184, G replaced by A.
Protein change: p.Asp62Asn; replaces aspartic acid 62 with asparagine.
Molecular consequence: missense variant.
Genome position (GRCh38, 1-based): chr16:23,637,877, C>T on the plus strand (G>A on the coding strand, the complement: PALB2 is on the minus strand). VCF-style: chr16-23637877-C-T. GRCh37 (hg19) VCF-style: chr16-23649198-C-T.
Other names: short protein forms D62N.
Identifiers: ClinVar variation 946024 (VCV000946024.12), dbSNP rs1967100410, ClinGen allele CA395139072.

ClinVar aggregate classification (germline): Uncertain significance. Review status: criteria provided, multiple submitters, no conflicts (2 of 4 stars). 3 submissions from 3 submitters: Uncertain significance (3). Last evaluated 2024-08-05.

Conditions:
Hereditary cancer-predisposing syndrome. Also called: Hereditary neoplastic syndrome; Hereditary Cancer Syndrome; Neoplastic Syndromes, Hereditary; Tumor predisposition. Identifiers: Orphanet 140162, MedGen C0027672, MeSH D009386, MONDO:0015356.
Familial cancer of breast. Also called: Hereditary breast cancer; BREAST CANCER, FAMILIAL; hereditary breast carcinoma. Identifiers: Orphanet 227535, MedGen C0346153, MONDO:0016419, OMIM 114480. Disease mechanism: loss of function.

Submissions (3):

Labcorp Genetics (formerly Invitae), Labcorp
Classification: Uncertain significance for Familial cancer of breast. Last evaluated: 2024-08-05. Review status: criteria provided, single submitter. Criteria: Invitae Variant Classification Sherloc (09022015). Collection method: clinical testing. Allele origin: germline.
Comment: This sequence change replaces aspartic acid, which is acidic and polar, with asparagine, which is neutral and polar, at codon 62 of the PALB2 protein (p.Asp62Asn). This variant is not present in population databases (gnomAD no frequency). This variant has not been reported in the literature in individuals affected with PALB2-related conditions. ClinVar contains an entry for this variant (Variation ID: 946024). An algorithm developed to predict the effect of missense changes on protein structure and function (PolyPhen-2) suggests that this variant is likely to be tolerated. In summary, the available evidence is currently insufficient to determine the role of this variant in disease. Therefore, it has been classified as a Variant of Uncertain Significance.

Ambry Genetics
Classification: Uncertain significance for Hereditary cancer-predisposing syndrome. Last evaluated: 2023-10-28. Review status: criteria provided, single submitter. Criteria: Ambry Variant Classification Scheme 2023. Collection method: clinical testing. Allele origin: germline.
Comment: The p.D62N variant (also known as c.184G>A), located in coding exon 3 of the PALB2 gene, results from a G to A substitution at nucleotide position 184. The aspartic acid at codon 62 is replaced by asparagine, an amino acid with highly similar properties. This amino acid position is conserved. In addition, this alteration is predicted to be tolerated by in silico analysis. Since supporting evidence is limited at this time, the clinical significance of this alteration remains unclear.

Blueprint Genetics
Classification: Uncertain significance. Last evaluated: 2023-02-01. Review status: criteria provided, single submitter. Criteria: ACMG Guidelines, 2015. Collection method: clinical testing. Allele origin: germline.